The following is an entry in ClinVar:

ClinVar aggregate classification (germline): Uncertain significance (1 of 4 stars; one submission).

Submission:

Labcorp Genetics (formerly Invitae), Labcorp
Classification: Uncertain significance. Last evaluated: 2022-10-17. Review status: criteria provided, single submitter. Criteria: Invitae Variant Classification Sherloc (09022015). Collection method: clinical testing. Allele origin: germline.
Comment: This variant results in a copy number gain of the genomic region encompassing exon(s) 30-31 of the ABCC6 gene. This region includes the termination codon of the gene. This copy number gain extends beyond the assayed region for this gene and therefore may encompass additional genes. As the precise location of this event is unknown, it may be in tandem or it may be located elsewhere in the genome. This variant has not been reported in the literature in individuals affected with ABCC6-related conditions. Experimental studies and prediction algorithms are not available or were not evaluated, and the functional significance of this variant is currently unknown. In summary, the available evidence is currently insufficient to determine the role of this variant in disease. Therefore, it has been classified as a Variant of Uncertain Significance.

NC_000016.9:g.(?_16243990)_(16244649_?)dup

Gene: ABCC6 (ATP binding cassette subfamily C member 6; minus strand). Cytogenetic location: 16p13.11.
Variant type: Duplication.
Identifiers: ClinVar variation 1432087 (VCV001432087.4).